The following is an entry in ClinVar:

ClinVar aggregate classification (germline): Uncertain significance. Review status: criteria provided, multiple submitters, no conflicts (2 of 4 stars). 4 submissions from 4 submitters: Uncertain significance (2). 2 of the submissions do not count toward it. Last evaluated 2022-09-13.

Conditions:
Bardet-Biedl syndrome (BBS). Identifiers: Orphanet 110, MedGen C0752166, MONDO:0015229.
Bardet-Biedl syndrome 2 (BBS2). Identifiers: Orphanet 110, MedGen C2936863, MONDO:0014432, OMIM 615981.

Submissions (4):

Blueprint Genetics
Classification: Uncertain significance. Last evaluated: 2022-09-13. Review status: criteria provided, single submitter. Criteria: ACMG Guidelines, 2015. Collection method: clinical testing. Allele origin: germline.

Labcorp Genetics (formerly Invitae), Labcorp
Classification: Uncertain significance for Bardet-Biedl syndrome. Last evaluated: 2021-08-26. Review status: criteria provided, single submitter. Criteria: Invitae Variant Classification Sherloc (09022015). Collection method: clinical testing. Allele origin: germline.
Comment: This sequence change replaces glycine with arginine at codon 256 of the BBS2 protein (p.Gly256Arg). The glycine residue is highly conserved and there is a moderate physicochemical difference between glycine and arginine. This variant is not present in population databases (ExAC no frequency). This variant has not been reported in the literature in individuals affected with BBS2-related conditions. ClinVar contains an entry for this variant (Variation ID: 319863). Algorithms developed to predict the effect of missense changes on protein structure and function (SIFT, PolyPhen-2, Align-GVGD) all suggest that this variant is likely to be disruptive. Algorithms developed to predict the effect of sequence changes on RNA splicing suggest that this variant may create or strengthen a splice site. In summary, the available evidence is currently insufficient to determine the role of this variant in disease. Therefore, it has been classified as a Variant of Uncertain Significance.

Natera, Inc.
Classification: Uncertain significance for Bardet-Biedl syndrome type 2. Last evaluated: 2020-09-16. Review status: no assertion criteria provided. Collection method: clinical testing. Allele origin: germline. Not counted in ClinVar's aggregate classification.

Counsyl
Classification: Uncertain significance for Bardet-Biedl syndrome 2. Last evaluated: 2018-05-23. Review status: no assertion criteria provided. Collection method: clinical testing. Allele origin: unknown. Not counted in ClinVar's aggregate classification.

NM_031885.5(BBS2):c.766G>A (p.Gly256Arg)

Gene: BBS2 (Bardet-Biedl syndrome 2; minus strand). Cytogenetic location: 16q13.
Variant type: single nucleotide variant.
Coding change: c.766G>A on transcript NM_031885.5 (MANE Select); coding-DNA position 766, G replaced by A.
Protein change: p.Gly256Arg; replaces glycine 256 with arginine.
Molecular consequence: missense variant. On other transcripts: non-coding transcript variant (5).
Genome position (GRCh38, 1-based): chr16:56,505,988, C>T on the plus strand (G>A on the coding strand, the complement: BBS2 is on the minus strand). VCF-style: chr16-56505988-C-T. GRCh37 (hg19) VCF-style: chr16-56539900-C-T.
Other names: c.766G>A, p.Gly256Arg (NM_001377456.1); short protein forms G256R.
Identifiers: ClinVar variation 319863 (VCV000319863.15), dbSNP rs886052147, ClinGen allele CA10647779.
Genomic context (GRCh38, chr16:56,505,988, plus strand): 5'-GAACTTTGCTATTCAAACTTACCTTCCCATTGGACCAACCAGTTATCAGTTCATTCACTC[C>T]ATCAGAATTAAGGTCAAAAGCATGAATGCTCATGGCATGATTTTTCGACTGAAAAAGAAT-3'
Protein context (NP_114091.4, residues 246-266): SIHAFDLNSD[Gly256Arg]VNELITGWSN